The following is an entry in ClinVar:

NM_001164665.2(KIAA1549):c.2743G>T (p.Ala915Ser)

Gene: KIAA1549 (KIAA1549; minus strand). Cytogenetic location: 7q34.
Variant type: single nucleotide variant.
Coding change: c.2743G>T on transcript NM_001164665.2 (MANE Select); coding-DNA position 2743, G replaced by T.
Protein change: p.Ala915Ser; replaces alanine 915 with serine.
Molecular consequence: missense variant.
Genome position (GRCh38, 1-based): chr7:138,916,883, C>A on the plus strand (G>T on the coding strand, the complement: KIAA1549 is on the minus strand). VCF-style: chr7-138916883-C-A. GRCh37 (hg19) VCF-style: chr7-138601629-C-A.
Other names: c.2743G>T, p.Ala915Ser (NM_020910.3); short protein forms A915S.
Identifiers: ClinVar variation 850449 (VCV000850449.8), dbSNP rs780665573, ClinGen allele CA4506424.

ClinVar aggregate classification (germline): Uncertain significance. Review status: criteria provided, multiple submitters, no conflicts (2 of 4 stars). 2 submissions from 2 submitters: Uncertain significance (2). Last evaluated 2024-02-19.

Allele frequency attached by ClinVar (database versions not stated): ExAC 0.00002; gnomAD exomes 0.00002; TOPMed 0.00003; gnomAD 0.00004.
gnomAD v4.1: 46 of 1,613,632 alleles (0.0029%); highest among the groups gnomAD compares: African/African-American, 0.011%; no homozygotes.

Submissions (2):

Blueprint Genetics
Classification: Uncertain significance. Last evaluated: 2024-02-19. Review status: criteria provided, single submitter. Criteria: ACMG Guidelines, 2015. Collection method: clinical testing. Allele origin: germline.

Labcorp Genetics (formerly Invitae), Labcorp
Classification: Uncertain significance. Last evaluated: 2022-09-01. Review status: criteria provided, single submitter. Criteria: Invitae Variant Classification Sherloc (09022015). Collection method: clinical testing. Allele origin: germline.
Comment: This sequence change replaces alanine, which is neutral and non-polar, with serine, which is neutral and polar, at codon 915 of the KIAA1549 protein (p.Ala915Ser). This variant is present in population databases (rs780665573, gnomAD 0.007%). This variant has not been reported in the literature in individuals affected with KIAA1549-related conditions. ClinVar contains an entry for this variant (Variation ID: 850449). Algorithms developed to predict the effect of missense changes on protein structure and function (SIFT, PolyPhen-2, Align-GVGD) all suggest that this variant is likely to be tolerated. In summary, the available evidence is currently insufficient to determine the role of this variant in disease. Therefore, it has been classified as a Variant of Uncertain Significance.